The following is an entry in ClinVar:

NM_000742.4(CHRNA2):c.1007T>C (p.Met336Thr)

Gene: CHRNA2 (cholinergic receptor nicotinic alpha 2 subunit; minus strand). Cytogenetic location: 8p21.2.
Variant type: single nucleotide variant.
Coding change: c.1007T>C on transcript NM_000742.4 (MANE Select); coding-DNA position 1007, T replaced by C.
Protein change: p.Met336Thr; replaces methionine 336 with threonine.
Molecular consequence: missense variant.
Genome position (GRCh38, 1-based): chr8:27,463,436, A>G on the plus strand (T>C on the coding strand, the complement: CHRNA2 is on the minus strand). VCF-style: chr8-27463436-A-G. GRCh37 (hg19) VCF-style: chr8-27320953-A-G.
Other names: c.962T>C, p.Met321Thr (NM_001282455.2); c.530T>C, p.Met177Thr (NM_001347705.2, NM_001347706.2); c.413T>C, p.Met138Thr (NM_001347707.2, NM_001347708.2); short protein forms M138T, M177T, M321T, M336T.
Identifiers: ClinVar variation 1439446 (VCV001439446.6), dbSNP rs754567543, ClinGen allele CA4689555.

ClinVar aggregate classification (germline): Uncertain significance (1 of 4 stars; one submission).

Conditions:
Familial sleep-related hypermotor epilepsy. Also called: Autosomal Dominant Sleep-Related Hypermotor (Hyperkinetic) Epilepsy. Identifiers: Orphanet 98784, MedGen C3696898, MONDO:0000030.

Allele frequency attached by ClinVar (database versions not stated): TOPMed 0.00001; gnomAD exomes 0.00001; ExAC 0.00001; gnomAD 0.00001.
gnomAD v4.1: 18 of 1,613,762 alleles (0.0011%); highest among the groups gnomAD compares: Non-Finnish European, 0.0014%; no homozygotes.

Submission:

Labcorp Genetics (formerly Invitae), Labcorp
Classification: Uncertain significance. Last evaluated: 2023-08-27. Review status: criteria provided, single submitter. Criteria: Invitae Variant Classification Sherloc (09022015). Collection method: clinical testing. Allele origin: germline.
Comment: In summary, the available evidence is currently insufficient to determine the role of this variant in disease. Therefore, it has been classified as a Variant of Uncertain Significance. Advanced modeling of protein sequence and biophysical properties (such as structural, functional, and spatial information, amino acid conservation, physicochemical variation, residue mobility, and thermodynamic stability) performed at Invitae indicates that this missense variant is expected to disrupt CHRNA2 protein function. ClinVar contains an entry for this variant (Variation ID: 1439446). This variant has not been reported in the literature in individuals affected with CHRNA2-related conditions. This variant is present in population databases (rs754567543, gnomAD 0.002%). This sequence change replaces methionine, which is neutral and non-polar, with threonine, which is neutral and polar, at codon 336 of the CHRNA2 protein (p.Met336Thr).